The following is an entry in ClinVar:

ClinVar aggregate classification (germline): Pathogenic (1 of 4 stars; one submission).

Conditions:
Tatton-Brown-Rahman overgrowth syndrome. Also called: Tall stature-intellectual disability-facial dysmorphism syndrome; Tatton-Brown-Rahman syndrome. Identifiers: Orphanet 404443, MedGen C4014545, MONDO:0014382, OMIM 615879.

Submission:

Labcorp Genetics (formerly Invitae), Labcorp
Classification: Pathogenic for Tatton-Brown-Rahman overgrowth syndrome. Last evaluated: 2023-06-20. Review status: criteria provided, single submitter. Criteria: Invitae Variant Classification Sherloc (09022015). Collection method: clinical testing. Allele origin: unknown.
Comment: For these reasons, this variant has been classified as Pathogenic. This variant has not been reported in the literature in individuals affected with DNMT3A-related conditions. This variant is a gross deletion of the genomic region encompassing exon(s) 2-3 of the DNMT3A gene, which includes the initiator codon. This deletion extends beyond the assayed region for this gene and therefore may encompass additional genes. It is expected to result in an absent or disrupted protein product. Loss-of-function variants in DNMT3A are known to be pathogenic (PMID: 24614070).

Literature cited by the submitters: PubMed 24614070.

NC_000002.11:g.(?_25522988)_(25536853_?)del

Gene: DNMT3A (DNA methyltransferase 3 alpha; minus strand). Cytogenetic location: 2p23.3.
Variant type: Deletion.
Identifiers: ClinVar variation 3247407 (VCV003247407.1).